The following is an entry in ClinVar:

NM_001160372.4(TRAPPC9):c.895A>G (p.Thr299Ala)

Gene: TRAPPC9 (trafficking protein particle complex subunit 9; minus strand). Cytogenetic location: 8q24.3.
Variant type: single nucleotide variant.
Coding change: c.895A>G on transcript NM_001160372.4 (MANE Select); coding-DNA position 895, A replaced by G.
Protein change: p.Thr299Ala; replaces threonine 299 with alanine.
Molecular consequence: missense variant. On other transcripts: non-coding transcript variant (1).
Genome position (GRCh38, 1-based): chr8:140,405,690, T>C on the plus strand (A>G on the coding strand, the complement: TRAPPC9 is on the minus strand). VCF-style: chr8-140405690-T-C. GRCh37 (hg19) VCF-style: chr8-141415789-T-C.
Other names: c.868A>G, p.Thr290Ala (NM_001321646.2); c.916A>G, p.Thr306Ala (NM_001374682.1); c.895A>G, p.Thr299Ala (NM_001374683.1, NM_001374684.1, NM_031466.8); short protein forms T290A, T299A, T306A.
Identifiers: ClinVar variation 1308263 (VCV001308263.2), dbSNP rs2132432517, ClinGen allele CA372320838.

ClinVar aggregate classification (germline): Uncertain significance (1 of 4 stars; one submission).

Submission:

GeneDx
Classification: Uncertain significance. Last evaluated: 2020-06-23. Review status: criteria provided, single submitter. Criteria: GeneDx Variant Classification Process June 2021. Collection method: clinical testing. Allele origin: germline. Affected: yes.
Comment: Not observed in large population cohorts (Lek et al., 2016); In silico analysis, which includes protein predictors and evolutionary conservation, supports that this variant does not alter protein structure/function; Has not been previously published as pathogenic or benign to our knowledge